The following is an entry in ClinVar:

ClinVar aggregate classification (germline): Likely pathogenic (1 of 4 stars; one submission).

Conditions:
Usher syndrome type 1B (USH1B). Also called: Usher syndrome type IB. Identifiers: MedGen C1848638, MONDO:0700087.

Submission:

Natera, Inc.
Classification: Likely pathogenic for Usher syndrome type 1B. Last evaluated: 2025-04-13. Review status: criteria provided, single submitter. Criteria: Natera Variant Classification Schema (03/2026). Collection method: clinical testing. Allele origin: germline.
Comment: The c.5925del variant in MYO7A is a frameshift variant predicted to shift the reading frame beginning at codon 1976 and leads to a stop codon 19 codons downstream. This variant is expected to result in nonsense mediated decay, truncation, or a dysfunctional protein product. This variant is rare in the general population with a frequency below the threshold expected for the associated phenotype(s). Given the available evidence, this variant is classified as Likely Pathogenic.

NM_000260.4(MYO7A):c.5925del (p.Ala1976fs)

Gene: MYO7A (myosin VIIA; plus strand). Cytogenetic location: 11q13.5.
Variant type: Deletion.
Coding change: c.5925del on transcript NM_000260.4 (MANE Select); coding-DNA position 5925, one base deleted (A; older notation c.5925delA).
Protein change: p.Ala1976fs; shifts the reading frame from alanine 1976.
Molecular consequence: frameshift variant.
Genome position (GRCh38, 1-based): chr11:77,208,498, A deleted; the last of 3 consecutive A bases (chr11:77,208,496-77,208,498); deleting any one gives the same sequence. VCF-style (leftmost placement, unchanged base first): chr11-77208495-GA-G. GRCh37 (hg19) VCF-style: chr11-76919540-GA-G.
Other names: c.5811del, p.Ala1938fs (NM_001127180.2); c.5778del, p.Ala1927fs (NM_001369365.1); short protein forms A1927fs, A1938fs, A1976fs.
Identifiers: ClinVar variation 4058147 (VCV004058147.2).